The following is an entry in ClinVar:

ClinVar aggregate classification (germline): Uncertain significance (1 of 4 stars; one submission).

Conditions:
Microcephaly, normal intelligence and immunodeficiency (NBS). Also called: Nijmegen breakage syndrome; Microcephaly with normal intelligence immunodeficiency and lymphoreticular malignancies; Nonsyndromal microcephaly autosomal recessive with normal intelligence; Seemanova syndrome 2; Immunodeficiency, microcephaly with normal intelligence; Ataxia telangiectasia variant V1. Identifiers: Orphanet 647, MedGen C0398791, MONDO:0009623, OMIM 251260.

Submission:

Labcorp Genetics (formerly Invitae), Labcorp
Classification: Uncertain significance for Microcephaly, normal intelligence and immunodeficiency. Last evaluated: 2022-05-03. Review status: criteria provided, single submitter. Criteria: Invitae Variant Classification Sherloc (09022015). Collection method: clinical testing. Allele origin: germline.
Comment: Algorithms developed to predict the effect of missense changes on protein structure and function are either unavailable or do not agree on the potential impact of this missense change (SIFT: "Tolerated"; PolyPhen-2: "Possibly Damaging"; Align-GVGD: "Class C0"). This variant has not been reported in the literature in individuals affected with NBN-related conditions. This variant is not present in population databases (gnomAD no frequency). This sequence change replaces isoleucine, which is neutral and non-polar, with leucine, which is neutral and non-polar, at codon 33 of the NBN protein (p.Ile33Leu). In summary, the available evidence is currently insufficient to determine the role of this variant in disease. Therefore, it has been classified as a Variant of Uncertain Significance.

NM_002485.5(NBN):c.97A>C (p.Ile33Leu)

Gene: NBN (nibrin; minus strand). Cytogenetic location: 8q21.3.
Variant type: single nucleotide variant.
Coding change: c.97A>C on transcript NM_002485.5 (MANE Select); coding-DNA position 97, A replaced by C.
Protein change: p.Ile33Leu; replaces isoleucine 33 with leucine.
Molecular consequence: missense variant. On other transcripts: 5 prime UTR variant (1).
Genome position (GRCh38, 1-based): chr8:89,982,796, T>G on the plus strand (A>C on the coding strand, the complement: NBN is on the minus strand). VCF-style: chr8-89982796-T-G. GRCh37 (hg19) VCF-style: chr8-90995024-T-G.
Other names: c.-200A>C (NM_001024688.3); short protein forms I33L.
Identifiers: ClinVar variation 2132791 (VCV002132791.4), dbSNP rs1563584435, ClinGen allele CA371663302.